The following is an entry in ClinVar:

NM_012398.3(PIP5K1C):c.1040C>T (p.Pro347Leu)

Gene: PIP5K1C (phosphatidylinositol-4-phosphate 5-kinase type 1 gamma; minus strand). Cytogenetic location: 19p13.3.
Variant type: single nucleotide variant.
Coding change: c.1040C>T on transcript NM_012398.3 (MANE Select); coding-DNA position 1040, C replaced by T.
Protein change: p.Pro347Leu; replaces proline 347 with leucine.
Molecular consequence: missense variant.
Genome position (GRCh38, 1-based): chr19:3,651,913, G>A on the plus strand (C>T on the coding strand, the complement: PIP5K1C is on the minus strand). VCF-style: chr19-3651913-G-A. GRCh37 (hg19) VCF-style: chr19-3651911-G-A.
Other names: c.1040C>T, p.Pro347Leu (NM_001195733.2, NM_001300849.2); short protein forms P347L.
Identifiers: ClinVar variation 4282118 (VCV004282118.1).

ClinVar aggregate classification (germline): Uncertain significance (1 of 4 stars; one submission).

gnomAD v4.1: 1 of 1,612,876 alleles (0.000062%); highest among the groups gnomAD compares: South Asian, 0.0011%; no homozygotes.

Submission:

GeneDx
Classification: Uncertain significance. Last evaluated: 2025-04-11. Review status: criteria provided, single submitter. Criteria: GeneDx Variant Classification Process June 2021. Collection method: clinical testing. Allele origin: germline. Affected: yes.
Comment: Not observed at significant frequency in large population cohorts (gnomAD); In silico analysis supports that this missense variant has a deleterious effect on protein structure/function; Has not been previously published as pathogenic or benign to our knowledge